The following is an entry in ClinVar:

ClinVar aggregate classification (germline): Uncertain significance. Review status: criteria provided, multiple submitters, no conflicts (2 of 4 stars). 2 submissions from 2 submitters: Uncertain significance (2). Last evaluated 2025-12-04.

Conditions:
Inborn genetic diseases. Identifiers: MedGen C0950123, MeSH D030342.

Allele frequency attached by ClinVar (database versions not stated): gnomAD exomes 0.00001; ESP Exome Variant Server 0.00008; TOPMed 0.00001.
gnomAD v4.1: 14 of 1,467,430 alleles (0.00095%); highest among the groups gnomAD compares: Non-Finnish European, 0.0012%; no homozygotes.

Submissions (2):

Ambry Genetics
Classification: Uncertain significance for Inborn genetic diseases. Last evaluated: 2025-12-04. Review status: criteria provided, single submitter. Criteria: Ambry Variant Classification Scheme 2023. Collection method: clinical testing. Allele origin: germline.

Labcorp Genetics (formerly Invitae), Labcorp
Classification: Uncertain significance. Last evaluated: 2021-12-25. Review status: criteria provided, single submitter. Criteria: Invitae Variant Classification Sherloc (09022015). Collection method: clinical testing. Allele origin: germline.
Comment: This sequence change replaces arginine, which is basic and polar, with tryptophan, which is neutral and slightly polar, at codon 207 of the PKDCC protein (p.Arg207Trp). The frequency data for this variant in the population databases is considered unreliable, as metrics indicate poor data quality at this position in the gnomAD database. This variant has not been reported in the literature in individuals affected with PKDCC-related conditions. Algorithms developed to predict the effect of missense changes on protein structure and function are either unavailable or do not agree on the potential impact of this missense change (SIFT: "Deleterious"; PolyPhen-2: "Probably Damaging"; Align-GVGD: "Class C0"). In summary, the available evidence is currently insufficient to determine the role of this variant in disease. Therefore, it has been classified as a Variant of Uncertain Significance.

NM_138370.3(PKDCC):c.619C>T (p.Arg207Trp)

Genes: PKDCC (protein kinase domain containing, cytoplasmic; plus strand), LOC129933566 (ATAC-STARR-seq lymphoblastoid active region 15635; plus strand). Cytogenetic location: 2p21.
Variant type: single nucleotide variant.
Coding change: c.619C>T on transcript NM_138370.3 (MANE Select); coding-DNA position 619, C replaced by T.
Protein change: p.Arg207Trp; replaces arginine 207 with tryptophan.
Molecular consequence: missense variant.
Genome position (GRCh38, 1-based): chr2:42,048,818, C>T. VCF-style: chr2-42048818-C-T. GRCh37 (hg19) VCF-style: chr2-42275958-C-T.
Other names: c.619C>T (NM_138370.2); short protein forms R207W.
Identifiers: ClinVar variation 1501834 (VCV001501834.4), dbSNP rs147555846, ClinGen allele CA46354268.
Genomic context (GRCh38, chr2:42,048,818, plus strand): 5'-GGCTGCTATCGGCTGGCGGCCCACAAGCTGCTTAAGGAGATGGTGCTGCTGGAGCGGCTG[C>T]GGCACCCCAACGTGCTGCAGGTACGAGGGTGGGGACGCGGGGGTAACGGTGTTGGCTGGG-3'
Protein context (NP_612379.2, residues 197-217): LKEMVLLERL[Arg207Trp]HPNVLQLYGY